The following is an entry in ClinVar:

ClinVar aggregate classification (germline): Uncertain significance (1 of 4 stars; one submission).

Allele frequency attached by ClinVar (database versions not stated): gnomAD exomes 0.00004; ESP Exome Variant Server 0.00008; TOPMed 0.00004; ExAC 0.00005; gnomAD 0.00005.

Submission:

Labcorp Genetics (formerly Invitae), Labcorp
Classification: Uncertain significance. Last evaluated: 2025-03-18. Review status: criteria provided, single submitter. Criteria: Invitae Variant Classification Sherloc (09022015). Collection method: clinical testing. Allele origin: germline.
Comment: This sequence change replaces arginine, which is basic and polar, with tryptophan, which is neutral and slightly polar, at codon 286 of the P2RX2 protein (p.Arg286Trp). This variant is present in population databases (rs201472876, gnomAD 0.02%). This variant has not been reported in the literature in individuals affected with P2RX2-related conditions. ClinVar contains an entry for this variant (Variation ID: 2898527). Invitae Evidence Modeling of protein sequence and biophysical properties (such as structural, functional, and spatial information, amino acid conservation, physicochemical variation, residue mobility, and thermodynamic stability) indicates that this missense variant is expected to disrupt P2RX2 protein function with a positive predictive value of 80%. In summary, the available evidence is currently insufficient to determine the role of this variant in disease. Therefore, it has been classified as a Variant of Uncertain Significance.

NM_170682.4(P2RX2):c.856C>T (p.Arg286Trp)

Gene: P2RX2 (purinergic receptor P2X 2; plus strand). Cytogenetic location: 12q24.33.
Variant type: single nucleotide variant.
Coding change: c.856C>T on transcript NM_170682.4 (MANE Select); coding-DNA position 856, C replaced by T.
Protein change: p.Arg286Trp; replaces arginine 286 with tryptophan.
Molecular consequence: missense variant.
Genome position (GRCh38, 1-based): chr12:132,621,082, C>T. VCF-style: chr12-132621082-C-T. GRCh37 (hg19) VCF-style: chr12-133197668-C-T.
Other names: c.856C>T, p.Arg286Trp (NM_170683.4, NM_174873.3, NM_001282165.2); c.580C>T, p.Arg194Trp (NM_174872.3); c.754C>T, p.Arg252Trp (NM_001282164.2); c.640C>T, p.Arg214Trp (NM_012226.5); c.784C>T, p.Arg262Trp (NM_016318.4); short protein forms R194W, R214W, R286W, R252W, R262W.
Identifiers: ClinVar variation 2898527 (VCV002898527.3), dbSNP rs201472876, ClinGen allele CA6891683.